The following is an entry in ClinVar:

ClinVar aggregate classification (germline): Likely benign. Review status: criteria provided, multiple submitters, no conflicts (2 of 4 stars). 2 submissions from 2 submitters: Likely benign (2). Last evaluated 2026-05-13.

Conditions:
Neurofibromatosis, type 1 (NF1). Also called: VON RECKLINGHAUSEN DISEASE; NEUROFIBROMATOSIS, TYPE I, SOMATIC; Neurofibromatosis, type I; Peripheral type neurofibromatosis. Identifiers: Orphanet 636, MedGen C0027831, MONDO:0018975, OMIM 162200. Disease mechanism: loss of function.

Allele frequency attached by ClinVar (database versions not stated): TOPMed 0.00001; gnomAD 0.00001; gnomAD exomes 0.00001; ExAC 0.00002.
gnomAD v4.1: 12 of 1,613,712 alleles (0.00074%); highest among the groups gnomAD compares: Non-Finnish European, 0.001%; no homozygotes.

Submissions (2):

Myriad Genetics, Inc.
Classification: Likely benign for Neurofibromatosis, type 1. Last evaluated: 2026-05-13. Review status: criteria provided, single submitter. Criteria: Myriad Autosomal Dominant, Autosomal Recessive and X-Linked Classification Criteria (2023). Collection method: clinical testing. Allele origin: unknown.
Comment: This variant is considered likely benign. This variant is intronic and is not expected to impact mRNA splicing.

Labcorp Genetics (formerly Invitae), Labcorp
Classification: Likely benign for Neurofibromatosis, type 1. Last evaluated: 2026-01-12. Review status: criteria provided, single submitter. Criteria: Invitae Variant Classification Sherloc (09022015). Collection method: clinical testing. Allele origin: germline.

NM_001042492.3(NF1):c.6007-6A>G

Gene: NF1 (neurofibromin 1; plus strand). Cytogenetic location: 17q11.2.
Variant type: single nucleotide variant.
Coding change: c.6007-6A>G on transcript NM_001042492.3 (MANE Select); 6 bases into the intron before coding-DNA position 6007, A replaced by G.
Molecular consequence: intron variant.
Genome position (GRCh38, 1-based): chr17:31,336,327, A>G. VCF-style: chr17-31336327-A-G. GRCh37 (hg19) VCF-style: chr17-29663345-A-G.
Other names: c.5944-6A>G (NM_000267.4).
Identifiers: ClinVar variation 404432 (VCV000404432.9), dbSNP rs775960363, ClinGen allele CA8487290.